The following is an entry in ClinVar:

NM_001267550.2(TTN):c.15430G>T (p.Glu5144Ter)

Gene: TTN (titin; minus strand). Cytogenetic location: 2q31.2.
Variant type: single nucleotide variant.
Coding change: c.15430G>T on transcript NM_001267550.2 (MANE Select); coding-DNA position 15430, G replaced by T.
Protein change: p.Glu5144Ter; replaces glutamic acid 5144 with a stop codon.
Molecular consequence: nonsense. On other transcripts: intron variant (3).
Genome position (GRCh38, 1-based): chr2:178,734,394, C>A on the plus strand (G>T on the coding strand, the complement: TTN is on the minus strand). VCF-style: chr2-178734394-C-A. GRCh37 (hg19) VCF-style: chr2-179599121-C-A.
Other names: c.14479G>T, p.Glu4827Ter (NM_001256850.1); c.11698G>T, p.Glu3900Ter (NM_133378.4); c.13282+3688G>T (NM_003319.4); c.13858+3688G>T (NM_133437.4); c.13657+3688G>T (NM_133432.3); short protein forms E3900*, E5144*, E4827*.
Identifiers: ClinVar variation 4785658 (VCV004785658.1).

ClinVar aggregate classification (germline): Likely pathogenic (1 of 4 stars; one submission).

Conditions:
Autosomal recessive limb-girdle muscular dystrophy type 2J (LGMDR10). Also called: Limb-girdle muscular dystrophy, type 2J; MUSCULAR DYSTROPHY, LIMB-GIRDLE, AUTOSOMAL RECESSIVE 10. Identifiers: Orphanet 140922, MedGen C1837342, MONDO:0012127, OMIM 608807.
Dilated cardiomyopathy 1G (CMD1G). Identifiers: Orphanet 154, MedGen C1858763, MONDO:0011400, OMIM 604145.

Submission:

Labcorp Genetics (formerly Invitae), Labcorp
Classification: Likely pathogenic for Dilated cardiomyopathy 1G; Autosomal recessive limb-girdle muscular dystrophy type 2J. Last evaluated: 2025-07-23. Review status: criteria provided, single submitter. Criteria: Invitae Variant Classification Sherloc (09022015). Collection method: clinical testing. Allele origin: germline.
Comment: This sequence change creates a premature translational stop signal (p.Glu5144*) in the TTN gene. While this is not anticipated to result in nonsense mediated decay, it is expected to create a truncated TTN protein. This variant is not present in population databases (gnomAD no frequency). This variant has not been reported in the literature in individuals affected with TTN-related conditions. This variant is located in the I band of TTN (PMID: 25589632). Truncating variants in this region have been reported in individuals affected with autosomal recessive centronuclear myopathy (PMID: 23975875, internal data). Truncating variants in this region have also been identified in individuals affected with autosomal dominant dilated cardiomyopathy and/or cardio-related conditions (PMID: 27869827, 32964742, internal data). In summary, the currently available evidence indicates that the variant is pathogenic, but additional data are needed to prove that conclusively. Therefore, this variant has been classified as Likely Pathogenic.

Literature cited by the submitters: PubMed 25589632; PubMed 23975875; PubMed 27869827; PubMed 32964742.